The following is an entry in ClinVar:

NM_001351132.2(PEX5):c.54_69dup (p.Phe24fs)

Gene: PEX5 (peroxisomal biogenesis factor 5; plus strand). Cytogenetic location: 12p13.31.
Variant type: Duplication.
Coding change: c.54_69dup on transcript NM_001351132.2 (MANE Select); coding-DNA positions 54 to 69, 16 bases duplicated (GAAGCTCGCCGGGCAC).
Protein change: p.Phe24fs; shifts the reading frame from phenylalanine 24.
Molecular consequence: frameshift variant.
Genome position (GRCh38, 1-based): chr12:7,190,431-7,190,446, GAAGCTCGCCGGGCAC duplicated. VCF-style (leftmost placement, unchanged base first): chr12-7190430-T-TGAAGCTCGCCGGGCAC. GRCh37 (hg19) VCF-style: chr12-7343026-T-TGAAGCTCGCCGGGCAC.
Other names: c.54_69dup, p.Phe24fs (NM_000319.5, NM_001131023.2, NM_001131024.2 and 22 more transcripts); short protein forms F24fs.
Identifiers: ClinVar variation 2082711 (VCV002082711.4), dbSNP rs2539798184, ClinGen allele CA2580086319.

ClinVar aggregate classification (germline): Pathogenic (1 of 4 stars; one submission).

Conditions:
Peroxisome biogenesis disorder 2B (PBD2B). Identifiers: Orphanet 44, MedGen C3550234, MONDO:0008736, OMIM 202370.

Submission:

Labcorp Genetics (formerly Invitae), Labcorp
Classification: Pathogenic for Peroxisome biogenesis disorder 2B. Last evaluated: 2022-01-14. Review status: criteria provided, single submitter. Criteria: Invitae Variant Classification Sherloc (09022015). Collection method: clinical testing. Allele origin: germline.
Comment: For these reasons, this variant has been classified as Pathogenic. This sequence change creates a premature translational stop signal (p.Phe24Glufs*30) in the PEX5 gene. It is expected to result in an absent or disrupted protein product. Loss-of-function variants in PEX5 are known to be pathogenic (PMID: 18712838, 21031596). This variant is not present in population databases (gnomAD no frequency). This variant has not been reported in the literature in individuals affected with PEX5-related conditions.

Literature cited by the submitters: PubMed 18712838; PubMed 21031596.